The following is an entry in ClinVar:

ClinVar aggregate classification (germline): Conflicting classifications of pathogenicity. Review status: criteria provided, conflicting classifications (1 of 4 stars). 6 submissions from 6 submitters: Uncertain significance (1); Benign (4); Likely benign (1). Last evaluated 2026-02-02.

Conditions:
Inborn genetic diseases. Identifiers: MedGen C0950123, MeSH D030342.

Allele frequency attached by ClinVar (database versions not stated): gnomAD 0.00310 and 0.00328; 1000 Genomes Project 30x 0.00328; 1000 Genomes Project 0.00359; TOPMed 0.00378; ESP Exome Variant Server 0.00401.
gnomAD v4.1: 1,541 of 1,613,714 alleles (0.095%); highest among the groups gnomAD compares: African/African-American, 1%; 8 homozygotes.

Submissions (6):

Labcorp Genetics (formerly Invitae), Labcorp
Classification: Benign. Last evaluated: 2026-02-02. Review status: criteria provided, single submitter. Criteria: Invitae Variant Classification Sherloc (09022015). Collection method: clinical testing. Allele origin: germline.

Ambry Genetics
Classification: Uncertain significance for Inborn genetic diseases. Last evaluated: 2025-08-02. Review status: criteria provided, single submitter. Criteria: Ambry Variant Classification Scheme 2023. Collection method: clinical testing. Allele origin: germline.

Athena Diagnostics
Classification: Benign. Last evaluated: 2025-01-07. Review status: criteria provided, single submitter. Criteria: Athena Diagnostics Criteria. Collection method: clinical testing. Allele origin: unknown.
Comment: The frequency of this variant in the general population is higher than would generally be expected for pathogenic variants in this gene.

Blueprint Genetics
Classification: Likely benign. Last evaluated: 2024-09-04. Review status: criteria provided, single submitter. Criteria: ACMG Guidelines, 2015. Collection method: clinical testing. Allele origin: germline.

GeneDx
Classification: Benign. Last evaluated: 2018-09-27. Review status: criteria provided, single submitter. Criteria: GeneDx Variant Classification Process June 2021. Collection method: clinical testing. Allele origin: germline. Affected: yes.

Laboratory for Molecular Medicine, Mass General Brigham Personalized Medicine
Classification: Benign. Last evaluated: 2012-03-26. Review status: criteria provided, single submitter. Criteria: LMM Criteria. Collection method: clinical testing. Allele origin: germline. Observed: 7 variant alleles.
Comment: Arg3536His in exon 51 of GPR98: This variant is not expected to have clinical si gnificance because it does not alter an amino acid residue, is not located withi n the splice consensus sequence, has been identified in 0.12% (8/660) of Europea n American chromosomes and 1.1% (33/3068) of African American chromosomes in a b road population by the NHLBI Exome sequencing project (. edu/EVS/; rs144618536).

NM_032119.4(ADGRV1):c.10607G>A (p.Arg3536His)

Gene: ADGRV1 (adhesion G protein-coupled receptor V1; plus strand). Cytogenetic location: 5q14.3.
Variant type: single nucleotide variant.
Coding change: c.10607G>A on transcript NM_032119.4 (MANE Select); coding-DNA position 10607, G replaced by A.
Protein change: p.Arg3536His; replaces arginine 3536 with histidine.
Molecular consequence: missense variant. On other transcripts: non-coding transcript variant (1).
Genome position (GRCh38, 1-based): chr5:90,745,103, G>A. VCF-style: chr5-90745103-G-A. GRCh37 (hg19) VCF-style: chr5-90040920-G-A.
Other names: short protein forms R3536H.
Identifiers: ClinVar variation 46250 (VCV000046250.18), dbSNP rs144618536, ClinGen allele CA137995.
Genomic context (GRCh38, chr5:90,745,103, plus strand): 5'-CAGCCCACATACTTCTTATTGGCCAAGATATGTCTGCTCTTTACTGCTGGAATTCGGAGC[G>A]TAATCAATTCTCTTTTGTTCTGGAAGTACCTTCTGCTTATGATGTGGCTTCTGTTACAGT-3'
Protein context (NP_115495.3, residues 3526-3546): MSALYCWNSE[Arg3536His]NQFSFVLEVP